The following is an entry in ClinVar:

ClinVar aggregate classification (germline): Pathogenic (1 of 4 stars; one submission).

Submission:

GeneDx
Classification: Pathogenic. Last evaluated: 2016-03-30. Review status: criteria provided, single submitter. Criteria: GeneDx Variant Classification (06012015). Collection method: clinical testing. Allele origin: germline. Affected: yes.
Comment: The c.1004dupC pathogenic variant in the AUTS gene has not been reported previously as a pathogenic variant nor as a benign variant, to our knowledge. The c.1004dupC variant causes a frameshift starting with codon Proline 336, changes this amino acid to a Threonine residue, and creates a premature Stop codon at position 12 of the new reading frame, denoted p.Pro336ThrfsX12. This variant is predicted to cause loss of normal protein function either through protein truncation or nonsense-mediated mRNA decay. The c.1004dupC variant was not observed in approximately 6500 individuals of European and African American ancestry in the NHLBI Exome Sequencing Project, indicating it is not a common benign variant in these populations. We interpret c.1004dupC as a pathogenic variant

NM_015570.4(AUTS2):c.1004dup (p.Pro336fs)

Gene: AUTS2 (activator of transcription and developmental regulator AUTS2; plus strand). Cytogenetic location: 7q11.22.
Variant type: Duplication.
Coding change: c.1004dup on transcript NM_015570.4 (MANE Select); coding-DNA position 1004, one base duplicated (C; older notation c.1004dupC).
Protein change: p.Pro336fs; shifts the reading frame from proline 336.
Molecular consequence: frameshift variant.
Genome position (GRCh38, 1-based): chr7:70,763,131, C duplicated; the last of 5 consecutive C bases (chr7:70,763,127-70,763,131); duplicating any one gives the same sequence. VCF-style (leftmost placement, unchanged base first): chr7-70763126-A-AC. GRCh37 (hg19) VCF-style: chr7-70228112-A-AC.
Other names: c.1004dup, p.Pro336fs (NM_001127231.3); short protein forms P336fs.
Identifiers: ClinVar variation 280471 (VCV000280471.2), dbSNP rs886041671, ClinGen allele CA10602964.